The following is an entry in ClinVar:

ClinVar aggregate classification (germline): Likely benign. Review status: criteria provided, single submitter (1 of 4 stars). 2 submissions from 2 submitters: Likely benign (1). 1 of the submissions does not count toward it. Last evaluated 2024-10-08.

Conditions:
EP300-related disorder. Also called: EP300-related condition; EP300-related disorders.

gnomAD v4.1: 2 of 1,614,218 alleles (0.00012%); highest among the groups gnomAD compares: Admixed American, 0.0017%; no homozygotes.

Submissions (2):

Blueprint Genetics
Classification: Likely benign. Last evaluated: 2024-10-08. Review status: criteria provided, single submitter. Criteria: ACMG Guidelines, 2015. Collection method: clinical testing. Allele origin: germline.

PreventionGenetics, part of Exact Sciences
Classification: Likely benign for EP300-related condition. Last evaluated: 2019-08-13. Review status: no assertion criteria provided. Collection method: clinical testing. Allele origin: germline. Not counted in ClinVar's aggregate classification.
Comment: This variant is classified as likely benign based on ACMG/AMP sequence variant interpretation guidelines (Richards et al. 2015 PMID: 25741868, with internal and published modifications).

NM_001429.4(EP300):c.4887G>T (p.Ala1629=)

Gene: EP300 (EP300 lysine acetyltransferase; plus strand). Cytogenetic location: 22q13.2.
Variant type: single nucleotide variant.
Coding change: c.4887G>T on transcript NM_001429.4 (MANE Select); coding-DNA position 4887, G replaced by T.
Protein change: p.Ala1629=; no amino-acid change (alanine 1629 retained).
Molecular consequence: synonymous variant.
Genome position (GRCh38, 1-based): chr22:41,176,354, G>T. VCF-style: chr22-41176354-G-T. GRCh37 (hg19) VCF-style: chr22-41572358-G-T.
Other names: c.4809G>T, p.Ala1603= (NM_001362843.2).
Identifiers: ClinVar variation 3053152 (VCV003053152.3), dbSNP rs747009952, ClinGen allele CA10253547.
Genomic context (GRCh38, chr22:41,176,354, plus strand): 5'-GCCTCCCATTGTTGATCCTGATCCTCTCATCCCCTGCGATCTGATGGATGGTCGGGATGC[G>T]TTTCTCACGCTGGCAAGGGACAAGCACCTGGAGTTCTCTTCACTCCGAAGAGCCCAGTGG-3'
Protein context (NP_001420.2, residues 1619-1639): IPCDLMDGRD[Ala1629=]FLTLARDKHL